The following is an entry in ClinVar:

NM_000702.4(ATP1A2):c.1827+38C>T

Gene: ATP1A2 (ATPase Na+/K+ transporting subunit alpha 2; plus strand). Cytogenetic location: 1q23.2.
Variant type: single nucleotide variant.
Coding change: c.1827+38C>T on transcript NM_000702.4 (MANE Select); 38 bases into the intron after coding-DNA position 1827, C replaced by T.
Molecular consequence: intron variant.
Genome position (GRCh38, 1-based): chr1:160,130,635, C>T. VCF-style: chr1-160130635-C-T. GRCh37 (hg19) VCF-style: chr1-160100425-C-T.
Identifiers: ClinVar variation 673205 (VCV000673205.1), dbSNP rs115534398, ClinGen allele CA1194585.

ClinVar aggregate classification (germline): Likely benign (1 of 4 stars; one submission).

Allele frequency attached by ClinVar (database versions not stated): gnomAD exomes 0.00105 and 0.00259; ExAC 0.00310; ESP Exome Variant Server 0.01023; gnomAD 0.01077 and 0.01157; TOPMed 0.01212; 1000 Genomes Project 0.01258; 1000 Genomes Project 30x 0.01296.
gnomAD v4.1: 3,258 of 1,613,574 alleles (0.2%); highest among the groups gnomAD compares: African/African-American, 3.6%; 64 homozygotes.

Submission:

GeneDx
Classification: Likely benign. Last evaluated: 2018-06-19. Review status: criteria provided, single submitter. Criteria: GeneDx Variant Classification (06012015). Collection method: clinical testing. Allele origin: germline. Affected: yes.
Comment: This variant is considered likely benign or benign based on one or more of the following criteria: it is a conservative change, it occurs at a poorly conserved position in the protein, it is predicted to be benign by multiple in silico algorithms, and/or has population frequency not consistent with disease.